The following is an entry in ClinVar:

ClinVar aggregate classification (germline): Uncertain significance. Review status: criteria provided, multiple submitters, no conflicts (2 of 4 stars). 2 submissions from 2 submitters: Uncertain significance (2). Last evaluated 2025-02-04.

Allele frequency attached by ClinVar (database versions not stated): TOPMed below 0.00001.

Submissions (2):

Ambry Genetics
Classification: Uncertain significance. Last evaluated: 2025-02-04. Review status: criteria provided, single submitter. Criteria: Ambry Variant Classification Scheme 2023. Collection method: clinical testing. Allele origin: germline.

Labcorp Genetics (formerly Invitae), Labcorp
Classification: Uncertain significance. Last evaluated: 2023-06-23. Review status: criteria provided, single submitter. Criteria: Invitae Variant Classification Sherloc (09022015). Collection method: clinical testing. Allele origin: germline.
Comment: In summary, the available evidence is currently insufficient to determine the role of this variant in disease. Therefore, it has been classified as a Variant of Uncertain Significance. Advanced modeling of protein sequence and biophysical properties (such as structural, functional, and spatial information, amino acid conservation, physicochemical variation, residue mobility, and thermodynamic stability) performed at Invitae indicates that this missense variant is not expected to disrupt CREB3L3 protein function. This variant has not been reported in the literature in individuals affected with CREB3L3-related conditions. This variant is present in population databases (no rsID available, gnomAD 0.002%). This sequence change replaces arginine, which is basic and polar, with glycine, which is neutral and non-polar, at codon 357 of the CREB3L3 protein (p.Arg357Gly).

NM_032607.3(CREB3L3):c.1069C>G (p.Arg357Gly)

Gene: CREB3L3 (cAMP responsive element binding protein 3 like 3; plus strand). Cytogenetic location: 19p13.3.
Variant type: single nucleotide variant.
Coding change: c.1069C>G on transcript NM_032607.3 (MANE Select); coding-DNA position 1069, C replaced by G.
Protein change: p.Arg357Gly; replaces arginine 357 with glycine.
Molecular consequence: missense variant.
Genome position (GRCh38, 1-based): chr19:4,171,476, C>G. VCF-style: chr19-4171476-C-G. GRCh37 (hg19) VCF-style: chr19-4171473-C-G.
Other names: c.1066C>G, p.Arg356Gly (NM_001271995.2); c.1063C>G, p.Arg355Gly (NM_001271996.2); c.962C>G, p.Thr321Arg (NM_001271997.2); c.1069C>G (NM_032607.1); short protein forms T321R, R355G, R356G, R357G.
Identifiers: ClinVar variation 2892278 (VCV002892278.4), dbSNP rs755042043, ClinGen allele CA403409556.